The following is an entry in ClinVar:

NM_001061.7(TBXAS1):c.368G>A (p.Ser123Asn)

Gene: TBXAS1 (thromboxane A synthase 1; plus strand). Cytogenetic location: 7q34.
Variant type: single nucleotide variant.
Coding change: c.368G>A on transcript NM_001061.7 (MANE Select); coding-DNA position 368, G replaced by A.
Protein change: p.Ser123Asn; replaces serine 123 with asparagine.
Molecular consequence: missense variant.
Genome position (GRCh38, 1-based): chr7:139,936,225, G>A. VCF-style: chr7-139936225-G-A. GRCh37 (hg19) VCF-style: chr7-139636024-G-A.
Other names: c.368G>A, p.Ser123Asn (NM_001130966.5, NM_001166253.4, NM_030984.6); c.167G>A, p.Ser56Asn (NM_001166254.4); c.311G>A, p.Ser104Asn (NM_001314028.4); c.185G>A, p.Ser62Asn (NM_001366537.3); short protein forms S124N, S56N, S62N, S104N, S123N.
Identifiers: ClinVar variation 4994330 (VCV004994330.1).

ClinVar aggregate classification (germline): Uncertain significance (1 of 4 stars; one submission).

Conditions:
TBXAS1-related disorder. Also called: TBXAS1-related condition.

Submission:

PreventionGenetics, part of Exact Sciences
Classification: Uncertain significance for TBXAS1-related condition. Last evaluated: 2026-09-03. Review status: criteria provided, single submitter. Criteria: ACMG Guidelines, 2015. Collection method: clinical testing. Allele origin: germline.
Comment: The TBXAS1 c.371G>A variant is predicted to result in the amino acid substitution p.Ser124Asn. To our knowledge, this variant has not been reported in the literature or in a large population database (gnomAD), indicating this variant is rare. At this time, the clinical significance of this variant is uncertain due to the absence of conclusive functional and genetic evidence.